The following is an entry in ClinVar:

NM_003280.3(TNNC1):c.242T>C (p.Met81Thr)

Gene: TNNC1 (troponin C1, slow skeletal and cardiac type; minus strand). Cytogenetic location: 3p21.1.
Variant type: single nucleotide variant.
Coding change: c.242T>C on transcript NM_003280.3 (MANE Select); coding-DNA position 242, T replaced by C.
Protein change: p.Met81Thr; replaces methionine 81 with threonine.
Molecular consequence: missense variant.
Genome position (GRCh38, 1-based): chr3:52,451,819, A>G on the plus strand (T>C on the coding strand, the complement: TNNC1 is on the minus strand). VCF-style: chr3-52451819-A-G. GRCh37 (hg19) VCF-style: chr3-52485835-A-G.
Other names: short protein forms M81T.
Identifiers: ClinVar variation 281574 (VCV000281574.14), dbSNP rs771216638, ClinGen allele CA2438546.
Genomic context (GRCh38, chr3:52,451,819, plus strand): 5'-AAGAGGTCAGACAGCTCCTCCTCAGATTTCCCTTTGCTGTCGTCCTTCATGCACCGAACC[A>G]TCATGACCAGGAACTCATCAAAGTCCACCGTGCCGCTGCCTGGGGGTGGGCAGCATGGCC-3'
Protein context (NP_003271.1, residues 71-91): TVDFDEFLVM[Met81Thr]VRCMKDDSKG

ClinVar aggregate classification (germline): Uncertain significance. Review status: criteria provided, multiple submitters, no conflicts (2 of 4 stars). 4 submissions from 4 submitters: Uncertain significance (4). Last evaluated 2025-10-05.

Conditions:
Dilated cardiomyopathy 1Z (CMD1Z). Identifiers: Orphanet 154, MedGen C2678475, MONDO:0012745, OMIM 611879.
Hypertrophic cardiomyopathy 13. Also called: TNNC1-Related Familial Hypertrophic Cardiomyopathy. Identifiers: MedGen C2750472, MONDO:0013195, OMIM 613243.
Cardiovascular phenotype. Identifiers: MedGen CN230736.

Allele frequency attached by ClinVar (database versions not stated): gnomAD exomes below 0.00001 and 0.00001; ExAC 0.00001; gnomAD 0.00001; TOPMed 0.00001.
gnomAD v4.1: 4 of 1,613,922 alleles (0.00025%); highest among the groups gnomAD compares: African/African-American, 0.004%; no homozygotes.

Submissions (4):

Ambry Genetics
Classification: Uncertain significance for Cardiovascular phenotype. Last evaluated: 2025-10-05. Review status: criteria provided, single submitter. Criteria: Ambry Variant Classification Scheme 2023. Collection method: clinical testing. Allele origin: germline.
Comment: The p.M81T variant (also known as c.242T>C), located in coding exon 4 of the TNNC1 gene, results from a T to C substitution at nucleotide position 242. The methionine at codon 81 is replaced by threonine, an amino acid with similar properties. This alteration has been reported in a sudden unexplained death cohort (Lin Y et al. Circ Cardiovasc Genet, 2017 Dec;10). This amino acid position is highly conserved in available vertebrate species. In addition, this alteration is predicted to be deleterious by in silico analysis. Since supporting evidence is limited at this time, the clinical significance of this alteration remains unclear.

Labcorp Genetics (formerly Invitae), Labcorp
Classification: Uncertain significance for Hypertrophic cardiomyopathy 13; Dilated cardiomyopathy 1Z. Last evaluated: 2025-01-07. Review status: criteria provided, single submitter. Criteria: Invitae Variant Classification Sherloc (09022015). Collection method: clinical testing. Allele origin: germline.
Comment: This sequence change replaces methionine, which is neutral and non-polar, with threonine, which is neutral and polar, at codon 81 of the TNNC1 protein (p.Met81Thr). This variant is present in population databases (rs771216638, gnomAD 0.01%). This missense change has been observed in individual(s) with sudden unexplained death (PMID: 29247119). ClinVar contains an entry for this variant (Variation ID: 281574). An algorithm developed to predict the effect of missense changes on protein structure and function (PolyPhen-2) suggests that this variant is likely to be disruptive. In summary, the available evidence is currently insufficient to determine the role of this variant in disease. Therefore, it has been classified as a Variant of Uncertain Significance.

GeneDx
Classification: Uncertain significance. Last evaluated: 2023-06-16. Review status: criteria provided, single submitter. Criteria: GeneDx Variant Classification Process June 2021. Collection method: clinical testing. Allele origin: germline. Affected: yes.
Comment: Identified among a cohort of individuals with sudden unexplained death (Lin et al., 2017); Not observed at significant frequency in large population cohorts (gnomAD); In silico analysis supports that this missense variant has a deleterious effect on protein structure/function; This variant is associated with the following publications: (PMID: 29247119)

Eurofins Ntd Llc (ga)
Classification: Uncertain significance. Last evaluated: 2015-06-30. Review status: criteria provided, single submitter. Criteria: EGL Classification Definitions 2015. Collection method: clinical testing. Allele origin: germline. Observed: 1 variant allele, 1 heterozygote.

Literature cited by the submitters: PubMed 29247119 (cited by Ambry Genetics and Labcorp Genetics (formerly Invitae), Labcorp).